The following is an entry in ClinVar:

ClinVar aggregate classification (germline): Pathogenic (1 of 4 stars; one submission).

Submission:

Labcorp Genetics (formerly Invitae), Labcorp
Classification: Pathogenic. Last evaluated: 2024-07-12. Review status: criteria provided, single submitter. Criteria: Invitae Variant Classification Sherloc (09022015). Collection method: clinical testing. Allele origin: germline.
Comment: This sequence change creates a premature translational stop signal (p.Phe360Leufs*14) in the TUBGCP4 gene. It is expected to result in an absent or disrupted protein product. Loss-of-function variants in TUBGCP4 are known to be pathogenic (PMID: 25817018). This variant is present in population databases (no rsID available, gnomAD 0.0009%). This variant has not been reported in the literature in individuals affected with TUBGCP4-related conditions. For these reasons, this variant has been classified as Pathogenic.

Literature cited by the submitters: PubMed 25817018.

NM_014444.5(TUBGCP4):c.1080_1081del (p.Phe360fs)

Gene: TUBGCP4 (tubulin gamma complex component 4; plus strand). Cytogenetic location: 15q15.3.
Variant type: Deletion.
Coding change: c.1080_1081del on transcript NM_014444.5 (MANE Select); coding-DNA positions 1080 to 1081, 2 bases deleted (TT; older notation c.1080_1081delTT).
Protein change: p.Phe360fs; shifts the reading frame from phenylalanine 360.
Molecular consequence: frameshift variant.
Genome position (GRCh38, 1-based): chr15:43,395,597-43,395,598, TT deleted; deleting any 2 consecutive bases within chr15:43,395,595-43,395,598 gives the same sequence; the c. name uses the placement nearest the transcript's 3' end. VCF-style (leftmost placement, unchanged base first): chr15-43395594-CTT-C. GRCh37 (hg19) VCF-style: chr15-43687792-CTT-C.
Other names: c.1080_1081del, p.Phe360fs (NM_001286414.3); short protein forms F360fs.
Identifiers: ClinVar variation 3659374 (VCV003659374.2).